The following is an entry in ClinVar:

ClinVar aggregate classification (germline): Uncertain significance (1 of 4 stars; one submission).

Conditions:
Charcot-Marie-Tooth disease type 2. Also called: Charcot-Marie-Tooth type 2. Identifiers: Orphanet 64746, MedGen C0270914, MONDO:0018993.

Submission:

Labcorp Genetics (formerly Invitae), Labcorp
Classification: Uncertain significance for Charcot-Marie-Tooth disease type 2. Last evaluated: 2023-08-11. Review status: criteria provided, single submitter. Criteria: Invitae Variant Classification Sherloc (09022015). Collection method: clinical testing. Allele origin: germline.
Comment: This sequence change falls in intron 3 of the LMNA gene. It does not directly change the encoded amino acid sequence of the LMNA protein. This variant is not present in population databases (gnomAD no frequency). In summary, the available evidence is currently insufficient to determine the role of this variant in disease. Therefore, it has been classified as a Variant of Uncertain Significance. Algorithms developed to predict the effect of sequence changes on RNA splicing suggest that this variant may disrupt the consensus splice site. This variant has not been reported in the literature in individuals affected with LMNA-related conditions.

NM_170707.4(LMNA):c.640-9C>G

Gene: LMNA (lamin A/C; plus strand). Cytogenetic location: 1q22.
Variant type: single nucleotide variant.
Coding change: c.640-9C>G on transcript NM_170707.4 (MANE Select); 9 bases into the intron before coding-DNA position 640, C replaced by G.
Molecular consequence: intron variant.
Genome position (GRCh38, 1-based): chr1:156,134,796, C>G. VCF-style: chr1-156134796-C-G. GRCh37 (hg19) VCF-style: chr1-156104587-C-G.
Other names: c.640-9C>G (NM_001406983.1, NM_001282625.2, NM_001406984.1 and 6 more transcripts); c.82-9C>G (NM_001407002.1, NM_001406993.1, NM_001407003.1 and 4 more transcripts); c.-25-9C>G (NM_001406999.1, NM_001407000.1, NM_001406994.1 and 1 more transcripts); c.397-9C>G (NM_001406986.1, NM_001406987.1, NM_001282624.2); c.304-9C>G (NM_001406989.1, NM_001257374.3, NM_001406998.1); c.343-9C>G (NM_001406988.1).
Identifiers: ClinVar variation 2830708 (VCV002830708.3), dbSNP rs752208560, ClinGen allele CA2739275308.